The following is an entry in ClinVar:

NM_000814.6(GABRB3):c.58G>T (p.Ala20Ser)

Gene: GABRB3 (gamma-aminobutyric acid type A receptor subunit beta3; minus strand). Cytogenetic location: 15q12.
Variant type: single nucleotide variant.
Coding change: c.58G>T on transcript NM_000814.6 (MANE Select); coding-DNA position 58, G replaced by T.
Protein change: p.Ala20Ser; replaces alanine 20 with serine.
Molecular consequence: missense variant. On other transcripts: 5 prime UTR variant (1), intron variant (1).
Genome position (GRCh38, 1-based): chr15:26,772,905, C>A on the plus strand (G>T on the coding strand, the complement: GABRB3 is on the minus strand). VCF-style: chr15-26772905-C-A. GRCh37 (hg19) VCF-style: chr15-27018052-C-A.
Other names: c.-294G>T (NM_001278631.2); c.81-133G>T (NM_021912.5); short protein forms A20S.
Identifiers: ClinVar variation 3754033 (VCV003754033.2).

ClinVar aggregate classification (germline): Uncertain significance (1 of 4 stars; one submission).

Conditions:
Epilepsy, childhood absence, susceptibility to, 1. Also called: Epilepsy, childhood absence 1. Identifiers: Orphanet 64280, MedGen C1838604, MONDO:0020759, OMIM 600131.
Epilepsy, childhood absence, susceptibility to, 5. Identifiers: Orphanet 64280, MedGen C2677087, MONDO:0012843, OMIM 612269.

Submission:

Labcorp Genetics (formerly Invitae), Labcorp
Classification: Uncertain significance for Epilepsy, childhood absence, susceptibility to, 5; Epilepsy, childhood absence, susceptibility to, 1. Last evaluated: 2024-09-01. Review status: criteria provided, single submitter. Criteria: Invitae Variant Classification Sherloc (09022015). Collection method: clinical testing. Allele origin: germline.
Comment: This sequence change replaces alanine, which is neutral and non-polar, with serine, which is neutral and polar, at codon 20 of the GABRB3 protein (p.Ala20Ser). This variant is not present in population databases (gnomAD no frequency). This variant has not been reported in the literature in individuals affected with GABRB3-related conditions. Invitae Evidence Modeling of protein sequence and biophysical properties (such as structural, functional, and spatial information, amino acid conservation, physicochemical variation, residue mobility, and thermodynamic stability) indicates that this missense variant is not expected to disrupt GABRB3 protein function with a negative predictive value of 95%. In summary, the available evidence is currently insufficient to determine the role of this variant in disease. Therefore, it has been classified as a Variant of Uncertain Significance.